The following is an entry in ClinVar:

NM_003628.6(PKP4):c.1850C>A (p.Pro617His)

Gene: PKP4 (plakophilin 4; plus strand). Cytogenetic location: 2q24.1.
Variant type: single nucleotide variant.
Coding change: c.1850C>A on transcript NM_003628.6 (MANE Select); coding-DNA position 1850, C replaced by A.
Protein change: p.Pro617His; replaces proline 617 with histidine.
Molecular consequence: missense variant.
Genome position (GRCh38, 1-based): chr2:158,642,640, C>A. VCF-style: chr2-158642640-C-A. GRCh37 (hg19) VCF-style: chr2-159499152-C-A.
Other names: c.1850C>A, p.Pro617His (NM_001005476.4, NM_001304971.2, NM_001377218.1 and 1 more transcripts); c.1847C>A, p.Pro616His (NM_001304969.3, NM_001377219.1, NM_001377220.1 and 2 more transcripts); c.821C>A, p.Pro274His (NM_001304970.3); c.1844C>A, p.Pro615His (NM_001377222.1, NM_001377223.1); c.1841C>A, p.Pro614His (NM_001377224.1); short protein forms P274H, P616H, P614H, P615H, P617H.
Identifiers: ClinVar variation 4841531 (VCV004841531.1).
Genomic context (GRCh38, chr2:158,642,640, plus strand): 5'-TCGTTTTTGGCAAGTCTACAGATGAAAATAAAATAGCAATGAAGAATGTTGGTGGGATAC[C>A]TGCCTTGTTGCGACTGTTGAGAAAATCTATTGATGCAGAAGTAAGGGAGCTTGTTACAGG-3'
Protein context (NP_003619.2, residues 607-627): KIAMKNVGGI[Pro617His]ALLRLLRKSI

ClinVar aggregate classification (germline): Uncertain significance (1 of 4 stars; one submission).

gnomAD v4.1: 1 of 1,612,826 alleles (0.000062%); highest among the groups gnomAD compares: Admixed American, 0.0017%; no homozygotes.

Submission:

Ambry Genetics
Classification: Uncertain significance. Last evaluated: 2025-12-21. Review status: criteria provided, single submitter. Criteria: Ambry Variant Classification Scheme 2023. Collection method: clinical testing. Allele origin: germline.
Comment: The p.P617H variant (also known as c.1850C>A), located in coding exon 10 of the PKP4 gene, results from a C to A substitution at nucleotide position 1850. The proline at codon 617 is replaced by histidine, an amino acid with similar properties. This amino acid position is conserved. In addition, this alteration is predicted to be deleterious by in silico analysis. Based on the available evidence, the clinical significance of this variant remains unclear.